The following is an entry in ClinVar:

ClinVar aggregate classification (germline): Uncertain significance. Review status: criteria provided, multiple submitters, no conflicts (2 of 4 stars). 3 submissions from 3 submitters: Uncertain significance (3). Last evaluated 2024-05-31.

Conditions:
Hereditary nonpolyposis colorectal neoplasms. Identifiers: MedGen C0009405, MeSH D003123.
Hereditary cancer-predisposing syndrome. Also called: Neoplastic Syndromes, Hereditary; Tumor predisposition; Hereditary Cancer Syndrome; Hereditary neoplastic syndrome. Identifiers: Orphanet 140162, MedGen C0027672, MeSH D009386, MONDO:0015356.

Submissions (3):

Ambry Genetics
Classification: Uncertain significance for Hereditary cancer-predisposing syndrome. Last evaluated: 2024-05-31. Review status: criteria provided, single submitter. Criteria: Ambry Variant Classification Scheme 2023. Collection method: clinical testing. Allele origin: germline.
Comment: The c.1546_1551delAGCAGC variant (also known as p.S516_S517del) is located in coding exon 11 of the PMS2 gene. This variant results from an in-frame AGCAGC deletion at nucleotide positions 1546 to 1551. This results in the in-frame deletion of two serine residues at codons 516 to 517. This amino acid region is not well conserved in available vertebrate species. In addition, the in silico prediction for this alteration is inconclusive (Choi Y et al. PLoS ONE. 2012; 7(10):e46688). Since supporting evidence is limited at this time, the clinical significance of this alteration remains unclear.

Labcorp Genetics (formerly Invitae), Labcorp
Classification: Uncertain significance for Hereditary nonpolyposis colorectal neoplasms. Last evaluated: 2022-02-25. Review status: criteria provided, single submitter. Criteria: Invitae Variant Classification Sherloc (09022015). Collection method: clinical testing. Allele origin: germline.
Comment: This variant, c.1546_1551del, results in the deletion of 2 amino acid(s) of the PMS2 protein (p.Ser516_Ser517del), but otherwise preserves the integrity of the reading frame. This variant is not present in population databases (gnomAD no frequency). This variant has not been reported in the literature in individuals affected with PMS2-related conditions. ClinVar contains an entry for this variant (Variation ID: 484277). Experimental studies and prediction algorithms are not available or were not evaluated, and the functional significance of this variant is currently unknown. In summary, the available evidence is currently insufficient to determine the role of this variant in disease. Therefore, it has been classified as a Variant of Uncertain Significance.

Color Diagnostics, LLC DBA Color Health
Classification: Uncertain significance for Hereditary cancer-predisposing syndrome. Last evaluated: 2018-08-04. Review status: criteria provided, single submitter. Criteria: ACMG Guidelines, 2015. Collection method: clinical testing. Allele origin: germline.

NM_000535.7(PMS2):c.1546_1551del (p.Ser516_Ser517del)

Gene: PMS2 (PMS1 homolog 2, mismatch repair system component; minus strand). Cytogenetic location: 7p22.1.
Variant type: Deletion.
Coding change: c.1546_1551del on transcript NM_000535.7 (MANE Select); coding-DNA positions 1546 to 1551, 6 bases deleted (AGCAGC; older notation c.1546_1551delAGCAGC).
Protein change: p.Ser516_Ser517del.
Molecular consequence: inframe deletion. On other transcripts: non-coding transcript variant (1).
Genome position (GRCh38, 1-based): chr7:5,987,214-5,987,219, GCTGCT deleted on the plus strand (AGCAGC on the coding strand, the reverse complement: PMS2 is on the minus strand); deleting any 6 consecutive bases within chr7:5,987,214-5,987,221 gives the same sequence; the c. name uses the placement nearest the transcript's 3' end. VCF-style (leftmost placement, unchanged base first): chr7-5987213-CGCTGCT-C. GRCh37 (hg19) VCF-style: chr7-6026844-CGCTGCT-C.
Other names: c.1141_1146del, p.Ser381_Ser382del (NM_001322003.2, NM_001322004.2, NM_001322005.2 and 1 more transcripts); c.1390_1395del, p.Ser464_Ser465del (NM_001322006.2); c.1228_1233del, p.Ser410_Ser411del (NM_001322007.2, NM_001322008.2); c.985_990del, p.Ser329_Ser330del (NM_001322010.2); c.613_618del, p.Ser205_Ser206del (NM_001322011.2, NM_001322012.2); c.973_978del, p.Ser325_Ser326del (NM_001322013.2); c.1546_1551del, p.Ser516_Ser517del (NM_001322014.2); c.1237_1242del, p.Ser413_Ser414del (NM_001322015.2).
Identifiers: ClinVar variation 484277 (VCV000484277.11), dbSNP rs970418297, ClinGen allele CA153228141.